The following is an entry in ClinVar:

NM_007194.4(CHEK2):c.750C>A (p.Ile250=)

Gene: CHEK2 (checkpoint kinase 2; minus strand). Cytogenetic location: 22q12.1.
Variant type: single nucleotide variant.
Coding change: c.750C>A on transcript NM_007194.4 (MANE Select); coding-DNA position 750, C replaced by A.
Protein change: p.Ile250=; no amino-acid change (isoleucine 250 retained).
Molecular consequence: synonymous variant.
Genome position (GRCh38, 1-based): chr22:28,711,951, G>T on the plus strand (C>A on the coding strand, the complement: CHEK2 is on the minus strand). VCF-style: chr22-28711951-G-T. GRCh37 (hg19) VCF-style: chr22-29107939-G-T.
Other names: c.879C>A, p.Ile293= (NM_001005735.3); c.87C>A, p.Ile29= (NM_001257387.3); c.549C>A, p.Ile183= (NM_001349956.3); c.750C>A, p.Ile250= (NM_145862.3).
Identifiers: ClinVar variation 1122501 (VCV001122501.12), dbSNP rs1601783180, ClinGen allele CA513945179.

ClinVar aggregate classification (germline): Benign/Likely benign. Review status: criteria provided, multiple submitters, no conflicts (2 of 4 stars). 2 submissions from 2 submitters: Benign (1); Likely benign (1). Last evaluated 2024-10-03.

Conditions:
Familial cancer of breast. Also called: BREAST CANCER, FAMILIAL; hereditary breast carcinoma; Hereditary breast cancer. Identifiers: Orphanet 227535, MedGen C0346153, MONDO:0016419, OMIM 114480. Disease mechanism: loss of function.

Submissions (2):

Myriad Genetics, Inc.
Classification: Benign for Familial cancer of breast. Last evaluated: 2024-10-03. Review status: criteria provided, single submitter. Criteria: Myriad Autosomal Dominant, Autosomal Recessive and X-Linked Classification Criteria (2023). Collection method: clinical testing. Allele origin: unknown.
Comment: This variant is considered benign. This variant is a silent/synonymous amino acid change and it is not expected to impact splicing.

Labcorp Genetics (formerly Invitae), Labcorp
Classification: Likely benign for Familial cancer of breast. Last evaluated: 2023-08-04. Review status: criteria provided, single submitter. Criteria: Invitae Variant Classification Sherloc (09022015). Collection method: clinical testing. Allele origin: germline.